The following is an entry in ClinVar:

NM_000318.3(PEX2):c.*1909G>T

Gene: PEX2 (peroxisomal biogenesis factor 2; minus strand). Cytogenetic location: 8q21.13.
Variant type: single nucleotide variant.
Coding change: c.*1909G>T on transcript NM_000318.3 (MANE Select); 1909 bases downstream of the stop codon, G replaced by T.
Molecular consequence: 3 prime UTR variant.
Genome position (GRCh38, 1-based): chr8:76,981,352, C>A on the plus strand (G>T on the coding strand, the complement: PEX2 is on the minus strand). VCF-style: chr8-76981352-C-A. GRCh37 (hg19) VCF-style: chr8-77893588-C-A.
Other names: c.*1909G>T (NM_001079867.2, NM_001172086.2, NM_001172087.2).
Identifiers: ClinVar variation 363784 (VCV000363784.6), dbSNP rs112352942, ClinGen allele CA10625837.

ClinVar aggregate classification (germline): Benign. Review status: criteria provided, multiple submitters, no conflicts (2 of 4 stars). 2 submissions from 2 submitters: Benign (2). Last evaluated 2018-01-13.

Conditions:
Peroxisome biogenesis disorder 5A (Zellweger) (PBD5A). Identifiers: Orphanet 912, MedGen C3553940, MONDO:0013932, OMIM 614866.

Allele frequency attached by ClinVar (database versions not stated): TOPMed 0.03366; gnomAD 0.03714 and 0.03970; 1000 Genomes Project 30x 0.04450; 1000 Genomes Project 0.04573.

Submissions (2):

Illumina Laboratory Services, Illumina
Classification: Benign for Peroxisome biogenesis disorder 5A (Zellweger). Last evaluated: 2018-01-13. Review status: criteria provided, single submitter. Criteria: ICSL Variant Classification Criteria 13 December 2019. Collection method: clinical testing. Allele origin: germline.
Comment: This variant was observed in the ICSL laboratory as part of a predisposition screen in an ostensibly healthy population. It had not been previously curated by ICSL or reported in the Human Gene Mutation Database (HGMD: prior to June 1st, 2018), and was therefore a candidate for classification through an automated scoring system. Utilizing variant allele frequency, disease prevalence and penetrance estimates, and inheritance mode, an automated score was calculated to assess if this variant is too frequent to cause the disease. Based on the score and internal cut-off values, a variant classified as benign is not then subjected to further curation. The score for this variant resulted in a classification of benign for this disease.

Breakthrough Genomics
Classification: Benign. Review status: criteria provided, single submitter. Criteria: ACMG Guidelines, 2015. Collection method: not provided. Allele origin: germline. Inheritance: Autosomal recessive inheritance. Affected: yes.